The following is an entry in ClinVar:

ClinVar aggregate classification (germline): Likely benign. Review status: reviewed by expert panel (3 of 4 stars). 6 submissions from 6 submitters: Likely benign (1). 5 of the submissions do not count toward it. Last evaluated 2017-06-29.

Conditions:
Hereditary cancer-predisposing syndrome. Also called: Hereditary neoplastic syndrome; Hereditary Cancer Syndrome; Neoplastic Syndromes, Hereditary; Tumor predisposition. Identifiers: Orphanet 140162, MedGen C0027672, MeSH D009386, MONDO:0015356.
BRCA2-related cancer predisposition. Identifiers: MedGen CN377758, MONDO:0700269.
Breast-ovarian cancer, familial, susceptibility to, 2 (BROVCA2). Also called: BRCA2 Hereditary Breast and Ovarian Cancer. Identifiers: Orphanet 145, MedGen C2675520, MONDO:0012933, OMIM 612555. Disease mechanism: loss of function.
Hereditary breast ovarian cancer syndrome. Also called: Hereditary breast and ovarian cancer syndrome; BRCA1- and BRCA2-Associated Hereditary Breast and Ovarian Cancer; Hereditary breast and/or ovarian cancer syndrome; Hereditary breast and ovarian cancer; Breast and ovarian cancer; Hereditary breast and ovarian cancer syndrome (HBOC). Identifiers: Orphanet 145, MedGen C0677776, MeSH D061325, MONDO:0003582. Disease mechanism: loss of function.

Allele frequency attached by ClinVar (database versions not stated): TOPMed below 0.00001; ExAC 0.00001; gnomAD exomes 0.00002.

Submissions (6):

Evidence-based Network for the Interpretation of Germline Mutant Alleles (ENIGMA)
Classification: Likely benign for Breast-ovarian cancer, familial, susceptibility to, 2. Last evaluated: 2017-06-29. Review status: reviewed by expert panel. Criteria: ENIGMA BRCA1/2 Classification Criteria (2017-06-29). Collection method: curation. Allele origin: germline.
Comment: Synonymous substitution variant, with low bioinformatic likelihood to result in a splicing aberration (Splicing prior probability 0.02).

Labcorp Genetics (formerly Invitae), Labcorp
Classification: Likely benign for Hereditary breast ovarian cancer syndrome. Last evaluated: 2026-01-31. Review status: criteria provided, single submitter. Criteria: Invitae Variant Classification Sherloc (09022015). Collection method: clinical testing. Allele origin: germline. Not counted in ClinVar's aggregate classification.

All of Us Research Program, National Institutes of Health
Classification: Likely benign for BRCA2-related cancer predisposition. Last evaluated: 2024-06-09. Review status: criteria provided, single submitter. Criteria: ACMG Guidelines, 2015. Collection method: clinical testing. Allele origin: germline. Inheritance: Autosomal dominant inheritance. Observed: 2 variant alleles, 2 heterozygotes. Not counted in ClinVar's aggregate classification.
Comment: This study involves interpretation of variants in research participants for the purpose of population health screening. Participant phenotype was not available at the time of variant classification. Additional details can be found in publication PMID: 35346344, PMCID: PMC8962531

Quest Diagnostics Nichols Institute San Juan Capistrano
Classification: Likely benign. Last evaluated: 2019-06-28. Review status: criteria provided, single submitter. Criteria: Quest Diagnostics criteria. Collection method: clinical testing. Allele origin: germline. Not counted in ClinVar's aggregate classification.

Color Diagnostics, LLC DBA Color Health
Classification: Likely benign for Hereditary cancer-predisposing syndrome. Last evaluated: 2017-09-22. Review status: criteria provided, single submitter. Criteria: ACMG Guidelines, 2015. Collection method: clinical testing. Allele origin: germline. Not counted in ClinVar's aggregate classification.

Ambry Genetics
Classification: Likely benign for Hereditary cancer-predisposing syndrome. Last evaluated: 2015-11-06. Review status: criteria provided, single submitter. Criteria: Ambry Variant Classification Scheme 2023. Collection method: clinical testing. Allele origin: germline. Not counted in ClinVar's aggregate classification.

NM_000059.4(BRCA2):c.3993T>C (p.Ser1331=)

Gene: BRCA2 (BRCA2 DNA repair associated; plus strand). Cytogenetic location: 13q13.1.
Variant type: single nucleotide variant.
Coding change: c.3993T>C on transcript NM_000059.4 (MANE Select); coding-DNA position 3993, T replaced by C.
Protein change: p.Ser1331=; no amino-acid change (serine 1331 retained).
Molecular consequence: synonymous variant.
Genome position (GRCh38, 1-based): chr13:32,338,348, T>C. VCF-style: chr13-32338348-T-C. GRCh37 (hg19) VCF-style: chr13-32912485-T-C.
Identifiers: ClinVar variation 427455 (VCV000427455.24), dbSNP rs754883505, ClinGen allele CA6940738.